The following is an entry in ClinVar:

ClinVar aggregate classification (germline): Uncertain significance. Review status: criteria provided, multiple submitters, no conflicts (2 of 4 stars). 4 submissions from 4 submitters: Uncertain significance (3). 1 of the submissions does not count toward it. Last evaluated 2024-01-09.

Conditions:
Retinal dystrophy. Also called: Inherited retinal dystrophy. Identifiers: Orphanet 71862, MedGen C0854723, MeSH D058499, MONDO:0019118, HP:0000556.
Nephronophthisis. Also called: Juvenile Nephronophthisis. Identifiers: Orphanet 655, MedGen C0687120, MONDO:0019005, HP:0000090.
Inborn genetic diseases. Identifiers: MedGen C0950123, MeSH D030342.

Allele frequency attached by ClinVar (database versions not stated): gnomAD 0.00002; ExAC 0.00003; gnomAD exomes 0.00003 and 0.00006; TOPMed 0.00003; ESP Exome Variant Server 0.00008.
gnomAD v4.1: 89 of 1,613,646 alleles (0.0055%); highest among the groups gnomAD compares: Non-Finnish European, 0.007%; no homozygotes.

Submissions (4):

Ambry Genetics
Classification: Uncertain significance for Inborn genetic diseases. Last evaluated: 2024-01-09. Review status: criteria provided, single submitter. Criteria: Ambry Variant Classification Scheme 2023. Collection method: clinical testing. Allele origin: germline.

Labcorp Genetics (formerly Invitae), Labcorp
Classification: Uncertain significance for Nephronophthisis. Last evaluated: 2022-09-27. Review status: criteria provided, single submitter. Criteria: Invitae Variant Classification Sherloc (09022015). Collection method: clinical testing. Allele origin: germline.
Comment: This sequence change replaces arginine, which is basic and polar, with histidine, which is basic and polar, at codon 925 of the INVS protein (p.Arg925His). This variant is present in population databases (rs370713515, gnomAD 0.007%). This variant has not been reported in the literature in individuals affected with INVS-related conditions. ClinVar contains an entry for this variant (Variation ID: 594382). Algorithms developed to predict the effect of missense changes on protein structure and function are either unavailable or do not agree on the potential impact of this missense change (SIFT: "Deleterious"; PolyPhen-2: "Possibly Damaging"; Align-GVGD: "Class C0"). In summary, the available evidence is currently insufficient to determine the role of this variant in disease. Therefore, it has been classified as a Variant of Uncertain Significance.

Eurofins Ntd Llc (ga)
Classification: Uncertain significance. Last evaluated: 2017-10-04. Review status: criteria provided, single submitter. Criteria: EGL Classification Definitions 2015. Collection method: clinical testing. Allele origin: germline. Observed: 1 variant allele, 1 heterozygote.

Institute of Human Genetics, Univ. Regensburg, Univ. Regensburg
Classification: Uncertain significance for Retinal dystrophy. Last evaluated: 2023-01-01. Review status: no assertion criteria provided. Criteria: ACMG Guidelines, 2015. Collection method: clinical testing. Allele origin: germline. Affected: yes. Not counted in ClinVar's aggregate classification.

NM_014425.5(INVS):c.2774G>A (p.Arg925His)

Gene: INVS (inversin; plus strand). Cytogenetic location: 9q31.1.
Variant type: single nucleotide variant.
Coding change: c.2774G>A on transcript NM_014425.5 (MANE Select); coding-DNA position 2774, G replaced by A.
Protein change: p.Arg925His; replaces arginine 925 with histidine.
Molecular consequence: missense variant. On other transcripts: non-coding transcript variant (1).
Genome position (GRCh38, 1-based): chr9:100,293,031, G>A. VCF-style: chr9-100293031-G-A. GRCh37 (hg19) VCF-style: chr9-103055313-G-A.
Other names: c.2486G>A, p.Arg829His (NM_001318381.2); c.1796G>A, p.Arg599His (NM_001318382.2); c.2774G>A (NM_014425.2); short protein forms R925H, R599H, R829H.
Identifiers: ClinVar variation 594382 (VCV000594382.9), dbSNP rs370713515, ClinGen allele CA5158688.